The following is an entry in ClinVar:

NM_033026.6(PCLO):c.10952T>A (p.Ile3651Lys)

Gene: PCLO (piccolo presynaptic cytomatrix protein; minus strand). Cytogenetic location: 7q21.11.
Variant type: single nucleotide variant.
Coding change: c.10952T>A on transcript NM_033026.6 (MANE Select); coding-DNA position 10952, T replaced by A.
Protein change: p.Ile3651Lys; replaces isoleucine 3651 with lysine.
Molecular consequence: missense variant.
Genome position (GRCh38, 1-based): chr7:82,949,636, A>T on the plus strand (T>A on the coding strand, the complement: PCLO is on the minus strand). VCF-style: chr7-82949636-A-T. GRCh37 (hg19) VCF-style: chr7-82578952-A-T.
Other names: c.10952T>A, p.Ile3651Lys (NM_014510.3); short protein forms I3651K.
Identifiers: ClinVar variation 1994836 (VCV001994836.4), dbSNP rs776381412, ClinGen allele CA367901033.

ClinVar aggregate classification (germline): Uncertain significance (1 of 4 stars; one submission).

Submission:

Labcorp Genetics (formerly Invitae), Labcorp
Classification: Uncertain significance. Last evaluated: 2022-05-15. Review status: criteria provided, single submitter. Criteria: Invitae Variant Classification Sherloc (09022015). Collection method: clinical testing. Allele origin: germline.
Comment: In summary, the available evidence is currently insufficient to determine the role of this variant in disease. Therefore, it has been classified as a Variant of Uncertain Significance. Algorithms developed to predict the effect of missense changes on protein structure and function are either unavailable or do not agree on the potential impact of this missense change (SIFT: "Deleterious"; PolyPhen-2: "Not Available"; Align-GVGD: "Class C0"). This variant has not been reported in the literature in individuals affected with PCLO-related conditions. This variant is not present in population databases (gnomAD no frequency). This sequence change replaces isoleucine, which is neutral and non-polar, with lysine, which is basic and polar, at codon 3651 of the PCLO protein (p.Ile3651Lys).